The following is an entry in ClinVar:

NM_001399.5(EDA):c.583G>A (p.Gly195Arg)

Gene: EDA (ectodysplasin A; plus strand). Cytogenetic location: Xq13.1.
Variant type: single nucleotide variant.
Coding change: c.583G>A on transcript NM_001399.5 (MANE Select); coding-DNA position 583, G replaced by A.
Protein change: p.Gly195Arg; replaces glycine 195 with arginine.
Molecular consequence: missense variant.
Genome position (GRCh38, 1-based): chrX:70,027,913, G>A. VCF-style: chrX-70027913-G-A. GRCh37 (hg19) VCF-style: chrX-69247763-G-A.
Other names: c.583G>A, p.Gly195Arg (NM_001005609.2, NM_001005612.3, NM_001440761.1 and 1 more transcripts); short protein forms G195R.
Identifiers: ClinVar variation 4744900 (VCV004744900.1).

ClinVar aggregate classification (germline): Uncertain significance (1 of 4 stars; one submission).

Conditions:
Hypohidrotic X-linked ectodermal dysplasia (XHED). Also called: Ectodermal Dysplasia 1, Anhidrotic; ECTODERMAL DYSPLASIA, HYPOHIDROTIC, 1; CST SYNDROME; ECTODERMAL DYSPLASIA 1; Anhidrotic ectodermal dysplasia X-linked; Christ Siemens Touraine syndrome. Identifiers: Orphanet 181, Orphanet 238468, MedGen C0162359, MONDO:0010585, OMIM 305100.

Submission:

Labcorp Genetics (formerly Invitae), Labcorp
Classification: Uncertain significance for Hypohidrotic X-linked ectodermal dysplasia. Last evaluated: 2025-08-10. Review status: criteria provided, single submitter. Criteria: Invitae Variant Classification Sherloc (09022015). Collection method: clinical testing. Allele origin: germline.
Comment: This sequence change replaces glycine, which is neutral and non-polar, with arginine, which is basic and polar, at codon 195 of the EDA protein (p.Gly195Arg). This variant is not present in population databases (gnomAD no frequency). This variant has not been reported in the literature in individuals affected with EDA-related conditions. Invitae Evidence Modeling of protein sequence and biophysical properties (such as structural, functional, and spatial information, amino acid conservation, physicochemical variation, residue mobility, and thermodynamic stability) has been performed for this missense variant. However, the output from this modeling did not meet the statistical confidence thresholds required to predict the impact of this variant on EDA protein function. This variant disrupts the p.Gly195 amino acid residue in EDA. Other variant(s) that disrupt this residue have been determined to be pathogenic (PMID: 18076698, 33550332). This suggests that this residue is clinically significant, and that variants that disrupt this residue are likely to be disease-causing. In summary, the available evidence is currently insufficient to determine the role of this variant in disease. Therefore, it has been classified as a Variant of Uncertain Significance.

Literature cited by the submitters: PubMed 18076698; PubMed 33550332.